The following is an entry in ClinVar:

NM_002075.4(GNB3):c.360G>A (p.Met120Ile)

Gene: GNB3 (G protein subunit beta 3; plus strand). Cytogenetic location: 12p13.31.
Variant type: single nucleotide variant.
Coding change: c.360G>A on transcript NM_002075.4 (MANE Select); coding-DNA position 360, G replaced by A.
Protein change: p.Met120Ile; replaces methionine 120 with isoleucine.
Molecular consequence: missense variant.
Genome position (GRCh38, 1-based): chr12:6,843,455, G>A. VCF-style: chr12-6843455-G-A. GRCh37 (hg19) VCF-style: chr12-6952619-G-A.
Other names: c.360G>A (NM_002075.2); c.360G>A, p.Met120Ile (NM_001297571.2); short protein forms M120I.
Identifiers: ClinVar variation 1418618 (VCV001418618.7), dbSNP rs369984083, ClinGen allele CA6417515.

ClinVar aggregate classification (germline): Uncertain significance. Review status: criteria provided, multiple submitters, no conflicts (2 of 4 stars). 2 submissions from 2 submitters: Uncertain significance (2). Last evaluated 2025-04-20.

Conditions:
Inborn genetic diseases. Identifiers: MedGen C0950123, MeSH D030342.

Allele frequency attached by ClinVar (database versions not stated): ExAC 0.00002; gnomAD exomes 0.00001; ESP Exome Variant Server 0.00008.

Submissions (2):

Labcorp Genetics (formerly Invitae), Labcorp
Classification: Uncertain significance. Last evaluated: 2025-04-20. Review status: criteria provided, single submitter. Criteria: Invitae Variant Classification Sherloc (09022015). Collection method: clinical testing. Allele origin: germline.
Comment: This sequence change replaces methionine, which is neutral and non-polar, with isoleucine, which is neutral and non-polar, at codon 120 of the GNB3 protein (p.Met120Ile). This variant is present in population databases (rs369984083, gnomAD 0.003%). This variant has not been reported in the literature in individuals affected with GNB3-related conditions. ClinVar contains an entry for this variant (Variation ID: 1418618). An algorithm developed to predict the effect of missense changes on protein structure and function (PolyPhen-2) suggests that this variant is likely to be tolerated. Experimental studies have shown that this missense change affects GNB3 function (PMID: 19168127). In summary, the available evidence is currently insufficient to determine the role of this variant in disease. Therefore, it has been classified as a Variant of Uncertain Significance.

Ambry Genetics
Classification: Uncertain significance for Inborn genetic diseases. Last evaluated: 2024-12-14. Review status: criteria provided, single submitter. Criteria: Ambry Variant Classification Scheme 2023. Collection method: clinical testing. Allele origin: germline.

Literature cited by the submitters: PubMed 19168127 (cited by Labcorp Genetics (formerly Invitae), Labcorp).